The following is an entry in ClinVar:

NM_000017.4(ACADS):c.194_200del (p.Leu65fs)

Gene: ACADS (acyl-CoA dehydrogenase short chain; plus strand). Cytogenetic location: 12q24.31.
Variant type: Deletion.
Coding change: c.194_200del on transcript NM_000017.4 (MANE Select); coding-DNA positions 194 to 200, 7 bases deleted (TCTTCCC; older notation c.194_200delTCTTCCC).
Protein change: p.Leu65fs; shifts the reading frame from leucine 65.
Molecular consequence: frameshift variant.
Genome position (GRCh38, 1-based): chr12:120,727,173-120,727,179, TCTTCCC deleted; deleting any 7 consecutive bases within chr12:120,727,172-120,727,179 gives the same sequence; the c. name uses the placement nearest the transcript's 3' end. VCF-style (leftmost placement, unchanged base first): chr12-120727171-TCTCTTCC-T. GRCh37 (hg19) VCF-style: chr12-121164974-TCTCTTCC-T.
Other names: c.194_200del, p.Leu65fs (NM_001302554.2); short protein forms L65fs.
Identifiers: ClinVar variation 2630618 (VCV002630618.2), dbSNP rs2501156065, ClinGen allele CA2575321431.

ClinVar aggregate classification (germline): Pathogenic/Likely pathogenic. Review status: criteria provided, multiple submitters, no conflicts (2 of 4 stars). 2 submissions from 2 submitters: Pathogenic (1); Likely pathogenic (1). Last evaluated 2026-07-01.

Conditions:
ACADS-related disorder. Also called: ACADS-related condition.

Submissions (2):

CeGaT Center for Human Genetics Tuebingen
Classification: Pathogenic. Last evaluated: 2026-07-01. Review status: criteria provided, single submitter. Criteria: CeGaT Center For Human Genetics Tuebingen Variant Classification Criteria Version 2. Collection method: clinical testing. Allele origin: germline. Affected: yes. Observed: 1 variant allele.
Comment: ACADS: PVS1, PM2

PreventionGenetics, part of Exact Sciences
Classification: Likely pathogenic for ACADS-related condition. Last evaluated: 2023-02-19. Review status: criteria provided, single submitter. Criteria: ACMG Guidelines, 2015. Collection method: clinical testing. Allele origin: germline.
Comment: The ACADS c.194_200del7 variant is predicted to result in a frameshift and premature protein termination (p.Leu65Glnfs*5). To our knowledge, this variant has not been reported in the literature or in a large population database, indicating this variant is rare. Frameshift variants in ACADS are expected to be pathogenic, and therefore this variant is interpreted as likely pathogenic.